The following is an entry in ClinVar:

NM_001164277.2(SLC37A4):c.827G>C (p.Gly276Ala)

Gene: SLC37A4 (solute carrier family 37 member 4; minus strand). Cytogenetic location: 11q23.3.
Variant type: single nucleotide variant.
Coding change: c.827G>C on transcript NM_001164277.2 (MANE Select); coding-DNA position 827, G replaced by C.
Protein change: p.Gly276Ala; replaces glycine 276 with alanine.
Molecular consequence: missense variant.
Genome position (GRCh38, 1-based): chr11:119,026,646, C>G on the plus strand (G>C on the coding strand, the complement: SLC37A4 is on the minus strand). VCF-style: chr11-119026646-C-G. GRCh37 (hg19) VCF-style: chr11-118897356-C-G.
Other names: c.827G>C, p.Gly276Ala (NM_001164278.2, NM_001164280.2, NM_001467.6); c.608G>C, p.Gly203Ala (NM_001164279.2); short protein forms G276A, G203A.
Identifiers: ClinVar variation 557457 (VCV000557457.5), dbSNP rs1350014866, ClinGen allele CA382900260.
Genomic context (GRCh38, chr11:119,026,646, plus strand): 5'-CCCTTCTGCCCGCTCACCTTTGCCATGGCCCGGTCTGACAGGTAGCCAGCTGCGATGCTG[C>G]CTACAAGGCCCCCAACTTCCAGGGCACTCATGTAGGAGCTACCTGCAGTAGGGAGTTGTG-3'
Protein context (NP_001157749.1, residues 266-286): MSALEVGGLV[Gly276Ala]SIAAGYLSDR

ClinVar aggregate classification (germline): Uncertain significance. Review status: criteria provided, single submitter (1 of 4 stars). 2 submissions from 2 submitters: Uncertain significance (1). 1 of the submissions does not count toward it. Last evaluated 2023-09-30.

Conditions:
Glucose-6-phosphate transport defect (GSD1B). Also called: Glycogen Storage Disease Type Ib; GSD Ib. Identifiers: Orphanet 364, Orphanet 79259, MedGen C0268146, MONDO:0009288, OMIM 232220.

Submissions (2):

Labcorp Genetics (formerly Invitae), Labcorp
Classification: Uncertain significance for Glucose-6-phosphate transport defect. Last evaluated: 2023-09-30. Review status: criteria provided, single submitter. Criteria: Invitae Variant Classification Sherloc (09022015). Collection method: clinical testing. Allele origin: germline.
Comment: In summary, the available evidence is currently insufficient to determine the role of this variant in disease. Therefore, it has been classified as a Variant of Uncertain Significance. Advanced modeling of protein sequence and biophysical properties (such as structural, functional, and spatial information, amino acid conservation, physicochemical variation, residue mobility, and thermodynamic stability) performed at Invitae indicates that this missense variant is expected to disrupt SLC37A4 protein function. ClinVar contains an entry for this variant (Variation ID: 557457). This variant has not been reported in the literature in individuals affected with SLC37A4-related conditions. This variant is not present in population databases (gnomAD no frequency). This sequence change replaces glycine, which is neutral and non-polar, with alanine, which is neutral and non-polar, at codon 276 of the SLC37A4 protein (p.Gly276Ala).

Counsyl
Classification: Uncertain significance for Glucose-6-phosphate transport defect. Last evaluated: 2018-03-26. Review status: no assertion criteria provided. Collection method: clinical testing. Allele origin: unknown. Not counted in ClinVar's aggregate classification.